The following is an entry in ClinVar:

ClinVar aggregate classification (germline): Uncertain significance (1 of 4 stars; one submission).

gnomAD v4.1: 3 of 1,614,232 alleles (0.00019%); highest among the groups gnomAD compares: South Asian, 0.0011%; no homozygotes.

Submission:

GeneDx
Classification: Uncertain significance. Last evaluated: 2026-02-18. Review status: criteria provided, single submitter. Criteria: GeneDx Variant Classification Process June 2021. Collection method: clinical testing. Allele origin: germline.
Comment: Not observed at significant frequency in large population cohorts (gnomAD); In silico analysis supports that this missense variant has a deleterious effect on protein structure/function; Has not been previously published as pathogenic or benign to our knowledge

NM_000069.3(CACNA1S):c.3958G>A (p.Ala1320Thr)

Gene: CACNA1S (calcium voltage-gated channel subunit alpha1 S; minus strand). Cytogenetic location: 1q32.1.
Variant type: single nucleotide variant.
Coding change: c.3958G>A on transcript NM_000069.3 (MANE Select); coding-DNA position 3958, G replaced by A.
Protein change: p.Ala1320Thr; replaces alanine 1320 with threonine.
Molecular consequence: missense variant.
Genome position (GRCh38, 1-based): chr1:201,051,139, C>T on the plus strand (G>A on the coding strand, the complement: CACNA1S is on the minus strand). VCF-style: chr1-201051139-C-T. GRCh37 (hg19) VCF-style: chr1-201020267-C-T.
Other names: short protein forms A1320T.
Identifiers: ClinVar variation 4975916 (VCV004975916.1).